The following is an entry in ClinVar:

ClinVar aggregate classification (germline): Uncertain significance. Review status: criteria provided, multiple submitters, no conflicts (2 of 4 stars). 3 submissions from 3 submitters: Uncertain significance (3). Last evaluated 2025-06-11.

Conditions:
Cardiovascular phenotype. Identifiers: MedGen CN230736.
Hypertrophic cardiomyopathy 14. Identifiers: MedGen C2750467, MONDO:0013197, OMIM 613251.

Allele frequency attached by ClinVar (database versions not stated): gnomAD 0.00001; TOPMed 0.00001.
gnomAD v4.1: 2 of 1,611,106 alleles (0.00012%); highest among the groups gnomAD compares: Non-Finnish European, 0.00017%; no homozygotes.

Submissions (3):

Labcorp Genetics (formerly Invitae), Labcorp
Classification: Uncertain significance for Hypertrophic cardiomyopathy 14. Last evaluated: 2025-06-11. Review status: criteria provided, single submitter. Criteria: Invitae Variant Classification Sherloc (09022015). Collection method: clinical testing. Allele origin: germline.
Comment: This sequence change replaces asparagine, which is neutral and polar, with aspartic acid, which is acidic and polar, at codon 1093 of the MYH6 protein (p.Asn1093Asp). This variant is not present in population databases (gnomAD no frequency). This variant has not been reported in the literature in individuals affected with MYH6-related conditions. ClinVar contains an entry for this variant (Variation ID: 2736794). Invitae Evidence Modeling of protein sequence and biophysical properties (such as structural, functional, and spatial information, amino acid conservation, physicochemical variation, residue mobility, and thermodynamic stability) indicates that this missense variant is not expected to disrupt MYH6 protein function with a negative predictive value of 80%. In summary, the available evidence is currently insufficient to determine the role of this variant in disease. Therefore, it has been classified as a Variant of Uncertain Significance.

Ambry Genetics
Classification: Uncertain significance for Cardiovascular phenotype. Last evaluated: 2024-07-07. Review status: criteria provided, single submitter. Criteria: Ambry Variant Classification Scheme 2023. Collection method: clinical testing. Allele origin: germline.
Comment: The p.N1093D variant (also known as c.3277A>G), located in coding exon 23 of the MYH6 gene, results from an A to G substitution at nucleotide position 3277. The asparagine at codon 1093 is replaced by aspartic acid, an amino acid with highly similar properties. This amino acid position is conserved. In addition, this alteration is predicted to be tolerated by in silico analysis. Based on the available evidence, the clinical significance of this variant remains unclear.

Blueprint Genetics
Classification: Uncertain significance. Last evaluated: 2022-06-22. Review status: criteria provided, single submitter. Criteria: ACMG Guidelines, 2015. Collection method: clinical testing. Allele origin: germline.

NM_002471.4(MYH6):c.3277A>G (p.Asn1093Asp)

Gene: MYH6 (myosin heavy chain 6; minus strand). Cytogenetic location: 14q11.2.
Variant type: single nucleotide variant.
Coding change: c.3277A>G on transcript NM_002471.4 (MANE Select); coding-DNA position 3277, A replaced by G.
Protein change: p.Asn1093Asp; replaces asparagine 1093 with aspartic acid.
Molecular consequence: missense variant.
Genome position (GRCh38, 1-based): chr14:23,392,627, T>C on the plus strand (A>G on the coding strand, the complement: MYH6 is on the minus strand). VCF-style: chr14-23392627-T-C. GRCh37 (hg19) VCF-style: chr14-23861836-T-C.
Other names: short protein forms N1093D.
Identifiers: ClinVar variation 2736794 (VCV002736794.5), dbSNP rs1891266671, ClinGen allele CA389007294.